The following is an entry in ClinVar:

NC_000002.11:g.(?_215617151)_(215617299_?)dup

Gene: BARD1 (BRCA1 associated RING domain 1; minus strand). Cytogenetic location: 2q35.
Variant type: Duplication.
Identifiers: ClinVar variation 3247178 (VCV003247178.1).

ClinVar aggregate classification (germline): Likely pathogenic (1 of 4 stars; one submission).

Conditions:
Familial cancer of breast. Also called: BREAST CANCER, FAMILIAL; Hereditary breast cancer; hereditary breast carcinoma. Identifiers: Orphanet 227535, MedGen C0346153, MONDO:0016419, OMIM 114480. Disease mechanism: loss of function.

Submission:

Labcorp Genetics (formerly Invitae), Labcorp
Classification: Likely pathogenic for Familial cancer of breast. Last evaluated: 2023-12-08. Review status: criteria provided, single submitter. Criteria: Invitae Variant Classification Sherloc (09022015). Collection method: clinical testing. Allele origin: unknown.
Comment: This variant results in a copy number gain of the genomic region encompassing exon(s) 7 of the BARD1 gene. While the exact position of this variant cannot be determined from the data, sub-genic copy number gains are generally in tandem (PMID: 25640679). This variant is predicted to be out-of-frame, and may result in an absent or disrupted protein product. Loss-of-function variants in BARD1 are known to be pathogenic (PMID: 20077502, 21344236). This variant has not been reported in the literature in individuals affected with BARD1-related conditions. In summary, the currently available evidence indicates that the variant is pathogenic, but additional data are needed to prove that conclusively. Therefore, this variant has been classified as Likely Pathogenic.

Literature cited by the submitters: PubMed 25640679; PubMed 20077502; PubMed 21344236.